The following is an entry in ClinVar:

ClinVar aggregate classification (germline): Benign/Likely benign. Review status: criteria provided, multiple submitters, no conflicts (2 of 4 stars). 4 submissions from 3 submitters: Benign (3); Likely benign (1). Last evaluated 2018-01-13.

Conditions:
Long QT syndrome 5 (LQT5). Identifiers: Orphanet 101016, Orphanet 768, MedGen C1867904, MONDO:0013372, OMIM 613695.
Jervell and Lange-Nielsen syndrome 2 (JLNS2). Identifiers: Orphanet 768, Orphanet 90647, MedGen C2676723, MONDO:0012871, OMIM 612347.

Allele frequency attached by ClinVar (database versions not stated): gnomAD exomes 0.00299; gnomAD 0.02496 and 0.02508; TOPMed 0.02753; 1000 Genomes Project 0.04113; 1000 Genomes Project 30x 0.04232.
gnomAD v4.1: 6,517 of 985,752 alleles (0.66%); highest among the groups gnomAD compares: African/African-American, 7.6%; 202 homozygotes.

Submissions (4):

Illumina Laboratory Services, Illumina
Classification: Benign for Jervell and Lange-Nielsen syndrome 2. Last evaluated: 2018-01-13. Review status: criteria provided, single submitter. Criteria: ICSL Variant Classification Criteria 13 December 2019. Collection method: clinical testing. Allele origin: germline.
Comment: This variant was observed in the ICSL laboratory as part of a predisposition screen in an ostensibly healthy population. It had not been previously curated by ICSL or reported in the Human Gene Mutation Database (HGMD: prior to June 1st, 2018), and was therefore a candidate for classification through an automated scoring system. Utilizing variant allele frequency, disease prevalence and penetrance estimates, and inheritance mode, an automated score was calculated to assess if this variant is too frequent to cause the disease. Based on the score and internal cut-off values, a variant classified as benign is not then subjected to further curation. The score for this variant resulted in a classification of benign for this disease.

Illumina Laboratory Services, Illumina
Classification: Benign for Long QT syndrome 5. Last evaluated: 2018-01-13. Review status: criteria provided, single submitter. Criteria: ICSL Variant Classification Criteria 13 December 2019. Collection method: clinical testing. Allele origin: germline.
Comment: the same text as in the submission from Illumina Laboratory Services, Illumina above.

GeneDx
Classification: Benign. Last evaluated: 2015-03-03. Review status: criteria provided, single submitter. Criteria: GeneDx Variant Classification Process June 2021. Collection method: clinical testing. Allele origin: germline. Affected: yes.

Breakthrough Genomics
Classification: Likely benign. Review status: criteria provided, single submitter. Criteria: ACMG Guidelines, 2015. Collection method: not provided. Allele origin: germline. Inheritance: Autosomal recessive inheritance. Affected: yes.

NM_000219.6(KCNE1):c.-253A>G

Gene: KCNE1 (potassium voltage-gated channel subfamily E regulatory subunit 1; minus strand). Cytogenetic location: 21q22.12.
Variant type: single nucleotide variant.
Coding change: c.-253A>G on transcript NM_000219.6 (MANE Select); 253 bases upstream of the start codon, A replaced by G.
Molecular consequence: 5 prime UTR variant.
Genome position (GRCh38, 1-based): chr21:34,511,192, T>C on the plus strand (A>G on the coding strand, the complement: KCNE1 is on the minus strand). VCF-style: chr21-34511192-T-C. GRCh37 (hg19) VCF-style: chr21-35883490-T-C.
Other names: c.-253A>G (NM_001270402.3); c.-225A>G (NM_001270403.2); c.-142A>G (NM_001270404.3).
Identifiers: ClinVar variation 339780 (VCV000339780.9), dbSNP rs41315471, ClinGen allele CA10652893.
Genomic context (GRCh38, chr21:34,511,192, plus strand): 5'-ACTGCGGTGTCCACACCATTGGCAGCAGGCTCCTTCTCTTCAGGTGGTCTTAGGAACTTC[T>C]CAGAACTTTTTGAGTTATCCTTCTGGTCTCTTCCTCCTGAGCACGGTTCTCCTGGTTGAG-3'